The following is an entry in ClinVar:

ClinVar aggregate classification (germline): Uncertain significance (1 of 4 stars; one submission).

gnomAD v4.1: 2 of 1,614,088 alleles (0.00012%); highest among the groups gnomAD compares: Admixed American, 0.0033%; no homozygotes.

Submission:

Labcorp Genetics (formerly Invitae), Labcorp
Classification: Uncertain significance. Last evaluated: 2024-10-28. Review status: criteria provided, single submitter. Criteria: Invitae Variant Classification Sherloc (09022015). Collection method: clinical testing. Allele origin: germline.
Comment: This sequence change replaces lysine, which is basic and polar, with glutamine, which is neutral and polar, at codon 666 of the AUTS2 protein (p.Lys666Gln). This variant is present in population databases (no rsID available, gnomAD 0.006%). This variant has not been reported in the literature in individuals affected with AUTS2-related conditions. Invitae Evidence Modeling of protein sequence and biophysical properties (such as structural, functional, and spatial information, amino acid conservation, physicochemical variation, residue mobility, and thermodynamic stability) indicates that this missense variant is expected to disrupt AUTS2 protein function with a positive predictive value of 80%. In summary, the available evidence is currently insufficient to determine the role of this variant in disease. Therefore, it has been classified as a Variant of Uncertain Significance.

NM_015570.4(AUTS2):c.1996A>C (p.Lys666Gln)

Gene: AUTS2 (activator of transcription and developmental regulator AUTS2; plus strand). Cytogenetic location: 7q11.22.
Variant type: single nucleotide variant.
Coding change: c.1996A>C on transcript NM_015570.4 (MANE Select); coding-DNA position 1996, A replaced by C.
Protein change: p.Lys666Gln; replaces lysine 666 with glutamine.
Molecular consequence: missense variant.
Genome position (GRCh38, 1-based): chr7:70,777,166, A>C. VCF-style: chr7-70777166-A-C. GRCh37 (hg19) VCF-style: chr7-70242152-A-C.
Other names: c.1924A>C, p.Lys642Gln (NM_001127231.3); short protein forms K666Q, K642Q.
Identifiers: ClinVar variation 3711431 (VCV003711431.2).